The following is an entry in ClinVar:

NM_017934.7(PHIP):c.2640T>C (p.Ser880=)

Gene: PHIP (PHIP subunit of CUL4-Ring ligase complex; minus strand). Cytogenetic location: 6q14.1.
Variant type: single nucleotide variant.
Coding change: c.2640T>C on transcript NM_017934.7 (MANE Select); coding-DNA position 2640, T replaced by C.
Protein change: p.Ser880=; no amino-acid change (serine 880 retained).
Molecular consequence: synonymous variant.
Genome position (GRCh38, 1-based): chr6:78,983,015, A>G on the plus strand (T>C on the coding strand, the complement: PHIP is on the minus strand). VCF-style: chr6-78983015-A-G. GRCh37 (hg19) VCF-style: chr6-79692732-A-G.
Identifiers: ClinVar variation 3355123 (VCV003355123.1).

ClinVar aggregate classification (germline): Likely benign (0 of 4 stars; one submission).

Conditions:
PHIP-related disorder. Also called: PHIP-related condition; PHIP-related disorders.

gnomAD v4.1: 7 of 1,611,062 alleles (0.00043%); highest among the groups gnomAD compares: Non-Finnish European, 0.00059%; no homozygotes.

Submission:

PreventionGenetics, part of Exact Sciences
Classification: Likely benign for PHIP-related condition. Last evaluated: 2024-06-21. Review status: no assertion criteria provided. Collection method: clinical testing. Allele origin: germline.
Comment: This variant is classified as likely benign based on ACMG/AMP sequence variant interpretation guidelines (Richards et al. 2015 PMID: 25741868, with internal and published modifications).